The following is an entry in ClinVar:

NM_001042492.3(NF1):c.6428-5T>C

Gene: NF1 (neurofibromin 1; plus strand). Cytogenetic location: 17q11.2.
Variant type: single nucleotide variant.
Coding change: c.6428-5T>C on transcript NM_001042492.3 (MANE Select); 5 bases into the intron before coding-DNA position 6428, T replaced by C.
Molecular consequence: intron variant.
Genome position (GRCh38, 1-based): chr17:31,337,363, T>C. VCF-style: chr17-31337363-T-C. GRCh37 (hg19) VCF-style: chr17-29664381-T-C.
Other names: c.6365-5T>C (NM_000267.4).
Identifiers: ClinVar variation 826352 (VCV000826352.12), dbSNP rs1597843627, ClinGen allele CA915949930.

ClinVar aggregate classification (germline): Conflicting classifications of pathogenicity. Review status: criteria provided, conflicting classifications (1 of 4 stars). 2 submissions from 2 submitters: Uncertain significance (1); Likely benign (1). Last evaluated 2025-09-15.

Conditions:
Hereditary cancer-predisposing syndrome. Also called: Neoplastic Syndromes, Hereditary; Hereditary Cancer Syndrome; Hereditary neoplastic syndrome; Tumor predisposition. Identifiers: Orphanet 140162, MedGen C0027672, MeSH D009386, MONDO:0015356.
Cardiovascular phenotype. Identifiers: MedGen CN230736.
Neurofibromatosis, type 1 (NF1). Also called: Neurofibromatosis, type I; Peripheral type neurofibromatosis; VON RECKLINGHAUSEN DISEASE; NEUROFIBROMATOSIS, TYPE I, SOMATIC. Identifiers: Orphanet 636, MedGen C0027831, MONDO:0018975, OMIM 162200. Disease mechanism: loss of function.

Allele frequency attached by ClinVar (database versions not stated): gnomAD exomes below 0.00001.
gnomAD v4.1: 1 of 1,608,138 alleles (0.000062%); highest among the groups gnomAD compares: Non-Finnish European, 0.000085%; no homozygotes.

Submissions (2):

Ambry Genetics
Classification: Uncertain significance for Cardiovascular phenotype; Hereditary cancer-predisposing syndrome. Last evaluated: 2025-09-15. Review status: criteria provided, single submitter. Criteria: Ambry Variant Classification Scheme 2023. Collection method: clinical testing. Allele origin: germline.
Comment: The c.6365-5T>C intronic variant results from a T to C substitution 5 nucleotides upstream from coding exon 42 in the NF1 gene. This nucleotide position is not well conserved in available vertebrate species. In silico splice site analysis for this alteration is inconclusive. Based on the available evidence, the clinical significance of this variant remains unclear.

Labcorp Genetics (formerly Invitae), Labcorp
Classification: Likely benign for Neurofibromatosis, type 1. Last evaluated: 2024-08-31. Review status: criteria provided, single submitter. Criteria: Invitae Variant Classification Sherloc (09022015). Collection method: clinical testing. Allele origin: germline.